The following is an entry in ClinVar:

ClinVar aggregate classification (germline): Uncertain significance (1 of 4 stars; one submission).

Conditions:
Perlman syndrome (PRLMNS). Identifiers: Orphanet 2849, MedGen C0796113, MONDO:0009965, OMIM 267000.

Allele frequency attached by ClinVar (database versions not stated): gnomAD exomes below 0.00001; TOPMed below 0.00001; gnomAD 0.00001.
gnomAD v4.1: 4 of 1,604,184 alleles (0.00025%); highest among the groups gnomAD compares: African/African-American, 0.0027%; no homozygotes.

Submission:

Labcorp Genetics (formerly Invitae), Labcorp
Classification: Uncertain significance for Perlman syndrome. Last evaluated: 2022-10-12. Review status: criteria provided, single submitter. Criteria: Invitae Variant Classification Sherloc (09022015). Collection method: clinical testing. Allele origin: germline.
Comment: This variant is not present in population databases (gnomAD no frequency). This variant has not been reported in the literature in individuals affected with DIS3L2-related conditions. This sequence change replaces isoleucine, which is neutral and non-polar, with valine, which is neutral and non-polar, at codon 96 of the DIS3L2 protein (p.Ile96Val). Advanced modeling of protein sequence and biophysical properties (such as structural, functional, and spatial information, amino acid conservation, physicochemical variation, residue mobility, and thermodynamic stability) performed at Invitae indicates that this missense variant is not expected to disrupt DIS3L2 protein function. ClinVar contains an entry for this variant (Variation ID: 648457). In summary, the available evidence is currently insufficient to determine the role of this variant in disease. Therefore, it has been classified as a Variant of Uncertain Significance.

NM_152383.5(DIS3L2):c.286A>G (p.Ile96Val)

Gene: DIS3L2 (DIS3 like 3'-5' exoribonuclease 2; plus strand). Cytogenetic location: 2q37.1.
Variant type: single nucleotide variant.
Coding change: c.286A>G on transcript NM_152383.5 (MANE Select); coding-DNA position 286, A replaced by G.
Protein change: p.Ile96Val; replaces isoleucine 96 with valine.
Molecular consequence: missense variant. On other transcripts: non-coding transcript variant (2).
Genome position (GRCh38, 1-based): chr2:232,030,000, A>G. VCF-style: chr2-232030000-A-G. GRCh37 (hg19) VCF-style: chr2-232894710-A-G.
Other names: c.286A>G, p.Ile96Val (NM_001257281.2, NM_001257282.2); short protein forms I96V.
Identifiers: ClinVar variation 648457 (VCV000648457.8), dbSNP rs1409634191, ClinGen allele CA351152886.
Genomic context (GRCh38, chr2:232,030,000, plus strand): 5'-TTTAAGCTCACTATTGTTTTATTTCTTTTTCCAACCTAGGATGGTGATCGAGACATTTTT[A>G]TTGATGGGGTTGTTGCTCGTAATAGAGCCTTAAATGGGGATCTGGTGGTCGTGAAACTGC-3'
Protein context (NP_689596.4, residues 86-106): PSPDGDRDIF[Ile96Val]DGVVARNRAL